The following is an entry in ClinVar:

ClinVar aggregate classification (germline): Uncertain significance (1 of 4 stars; one submission).

Conditions:
Joubert syndrome. Also called: JOUBERT-BOLTSHAUSER SYNDROME; Familial aplasia of the vermis. Identifiers: Orphanet 475, MedGen C5979921, MONDO:0018772.
Meckel-Gruber syndrome. Also called: DYSENCEPHALIA SPLANCHNOCYSTICA; GRUBER SYNDROME; Dysencephalia splachnocystica. Identifiers: Orphanet 564, MedGen C0265215, MONDO:0018921.

Allele frequency attached by ClinVar (database versions not stated): gnomAD exomes below 0.00001.
gnomAD v4.1: 2 of 1,606,820 alleles (0.00012%); highest among the groups gnomAD compares: Non-Finnish European, 0.00017%; no homozygotes.

Submission:

Labcorp Genetics (formerly Invitae), Labcorp
Classification: Uncertain significance for Joubert syndrome; Meckel-Gruber syndrome. Last evaluated: 2022-07-04. Review status: criteria provided, single submitter. Criteria: Invitae Variant Classification Sherloc (09022015). Collection method: clinical testing. Allele origin: germline.
Comment: In summary, the available evidence is currently insufficient to determine the role of this variant in disease. Therefore, it has been classified as a Variant of Uncertain Significance. Advanced modeling of protein sequence and biophysical properties (such as structural, functional, and spatial information, amino acid conservation, physicochemical variation, residue mobility, and thermodynamic stability) performed at Invitae indicates that this missense variant is not expected to disrupt CC2D2A protein function. This variant has not been reported in the literature in individuals affected with CC2D2A-related conditions. This variant is not present in population databases (gnomAD no frequency). This sequence change replaces phenylalanine, which is neutral and non-polar, with leucine, which is neutral and non-polar, at codon 253 of the CC2D2A protein (p.Phe253Leu).

NM_001378615.1(CC2D2A):c.757T>C (p.Phe253Leu)

Genes: CC2D2A (coiled-coil and C2 domain containing 2A; plus strand), FBXL5 (F-box and leucine rich repeat protein 5; minus strand). Cytogenetic location: 4p15.32.
Variant type: single nucleotide variant.
Coding change: c.757T>C on transcript NM_001378615.1 (MANE Select); coding-DNA position 757, T replaced by C.
Protein change: p.Phe253Leu; replaces phenylalanine 253 with leucine.
Molecular consequence: missense variant.
Genome position (GRCh38, 1-based): chr4:15,514,746, T>C. VCF-style: chr4-15514746-T-C. GRCh37 (hg19) VCF-style: chr4-15516369-T-C.
Other names: c.757T>C, p.Phe253Leu (NM_001080522.2); c.610T>C, p.Phe204Leu (NM_001378617.1); short protein forms F204L, F253L.
Identifiers: ClinVar variation 2088204 (VCV002088204.4), dbSNP rs2474920990, ClinGen allele CA356409202.